The following is an entry in ClinVar:

ClinVar aggregate classification (germline): Uncertain significance. Review status: criteria provided, multiple submitters, no conflicts (2 of 4 stars). 2 submissions from 2 submitters: Uncertain significance (2). Last evaluated 2024-01-20.

Conditions:
Fanconi anemia complementation group F. Also called: FANCF-Related Fanconi Anemia. Identifiers: Orphanet 84, MedGen C3469526, MONDO:0011325, OMIM 603467.
Fanconi anemia (FA). Also called: Fanconi's anemia. Identifiers: Orphanet 84, MedGen C0015625, MeSH D005199, MONDO:0019391.

Allele frequency attached by ClinVar (database versions not stated): TOPMed 0.00001.

Submissions (2):

Fulgent Genetics
Classification: Uncertain significance for Fanconi anemia complementation group F. Last evaluated: 2024-01-20. Review status: criteria provided, single submitter. Criteria: ACMG Guidelines, 2015. Collection method: clinical testing. Allele origin: germline.

Labcorp Genetics (formerly Invitae), Labcorp
Classification: Uncertain significance for Fanconi anemia. Last evaluated: 2021-08-20. Review status: criteria provided, single submitter. Criteria: Invitae Variant Classification Sherloc (09022015). Collection method: clinical testing. Allele origin: germline.
Comment: This sequence change replaces arginine with glycine at codon 46 of the FANCF protein (p.Arg46Gly). The arginine residue is moderately conserved and there is a moderate physicochemical difference between arginine and glycine. This variant is not present in population databases (ExAC no frequency). This variant has not been reported in the literature in individuals affected with FANCF-related conditions. Algorithms developed to predict the effect of missense changes on protein structure and function output the following: SIFT: "Tolerated"; PolyPhen-2: "Benign"; Align-GVGD: "Class C0". The glycine amino acid residue is found in multiple mammalian species, which suggests that this missense change does not adversely affect protein function. In summary, the available evidence is currently insufficient to determine the role of this variant in disease. Therefore, it has been classified as a Variant of Uncertain Significance.

NM_022725.4(FANCF):c.136C>G (p.Arg46Gly)

Gene: FANCF (FA complementation group F; minus strand). Cytogenetic location: 11p14.3.
Variant type: single nucleotide variant.
Coding change: c.136C>G on transcript NM_022725.4 (MANE Select); coding-DNA position 136, C replaced by G.
Protein change: p.Arg46Gly; replaces arginine 46 with glycine.
Molecular consequence: missense variant.
Genome position (GRCh38, 1-based): chr11:22,625,675, G>C on the plus strand (C>G on the coding strand, the complement: FANCF is on the minus strand). VCF-style: chr11-22625675-G-C. GRCh37 (hg19) VCF-style: chr11-22647221-G-C.
Other names: short protein forms R46G.
Identifiers: ClinVar variation 1439597 (VCV001439597.6), dbSNP rs758925111, ClinGen allele CA219086663.